The following is an entry in ClinVar:

ClinVar aggregate classification (germline): Uncertain significance (1 of 4 stars; one submission).

Allele frequency attached by ClinVar (database versions not stated): TOPMed below 0.00001.

Submission:

Labcorp Genetics (formerly Invitae), Labcorp
Classification: Uncertain significance. Last evaluated: 2021-03-18. Review status: criteria provided, single submitter. Criteria: Invitae Variant Classification Sherloc (09022015). Collection method: clinical testing. Allele origin: germline.
Comment: In summary, the available evidence is currently insufficient to determine the role of this variant in disease. Therefore, it has been classified as a Variant of Uncertain Significance. Algorithms developed to predict the effect of missense changes on protein structure and function are either unavailable or do not agree on the potential impact of this missense change (SIFT: "Deleterious"; PolyPhen-2: "Probably Damaging"; Align-GVGD: "Class C0"). This variant has not been reported in the literature in individuals with FLNB-related conditions. This variant is not present in population databases (ExAC no frequency). This sequence change replaces glycine with serine at codon 385 of the FLNB protein (p.Gly385Ser). The glycine residue is highly conserved and there is a small physicochemical difference between glycine and serine.

NM_001457.4(FLNB):c.1153G>A (p.Gly385Ser)

Gene: FLNB (filamin B; plus strand). Cytogenetic location: 3p14.3.
Variant type: single nucleotide variant.
Coding change: c.1153G>A on transcript NM_001457.4 (MANE Select); coding-DNA position 1153, G replaced by A.
Protein change: p.Gly385Ser; replaces glycine 385 with serine.
Molecular consequence: missense variant.
Genome position (GRCh38, 1-based): chr3:58,098,716, G>A. VCF-style: chr3-58098716-G-A. GRCh37 (hg19) VCF-style: chr3-58084443-G-A.
Other names: c.1153G>A, p.Gly385Ser (NM_001164317.2, NM_001164318.2, NM_001164319.2); short protein forms G385S.
Identifiers: ClinVar variation 1481942 (VCV001481942.8), dbSNP rs2097243657, ClinGen allele CA353336745.